The following is an entry in ClinVar:

NM_015978.3(TNNI3K):c.2389G>A (p.Glu797Lys)

Genes: FPGT-TNNI3K (FPGT-TNNI3K readthrough; plus strand), TNNI3K (TNNI3 interacting kinase; plus strand). Cytogenetic location: 1p31.1.
Variant type: single nucleotide variant.
Coding change: c.2389G>A on transcript NM_015978.3 (MANE Select); coding-DNA position 2389, G replaced by A.
Protein change: p.Glu797Lys; replaces glutamic acid 797 with lysine.
Molecular consequence: missense variant.
Genome position (GRCh38, 1-based): chr1:74,540,271, G>A. VCF-style: chr1-74540271-G-A. GRCh37 (hg19) VCF-style: chr1-75005955-G-A.
Other names: c.2692G>A, p.Glu898Lys (NM_001112808.3); short protein forms E898K, E797K.
Identifiers: ClinVar variation 1422660 (VCV001422660.8), dbSNP rs2100463705, ClinGen allele CA340799202.

ClinVar aggregate classification (germline): Uncertain significance (1 of 4 stars; one submission).

Submission:

Labcorp Genetics (formerly Invitae), Labcorp
Classification: Uncertain significance. Last evaluated: 2022-10-03. Review status: criteria provided, single submitter. Criteria: Invitae Variant Classification Sherloc (09022015). Collection method: clinical testing. Allele origin: germline.
Comment: In summary, the available evidence is currently insufficient to determine the role of this variant in disease. Therefore, it has been classified as a Variant of Uncertain Significance. Algorithms developed to predict the effect of missense changes on protein structure and function are either unavailable or do not agree on the potential impact of this missense change (SIFT: "Deleterious"; PolyPhen-2: "Benign"; Align-GVGD: "Class C0"). ClinVar contains an entry for this variant (Variation ID: 1422660). This variant has not been reported in the literature in individuals affected with TNNI3K-related conditions. This variant is not present in population databases (gnomAD no frequency). This sequence change replaces glutamic acid, which is acidic and polar, with lysine, which is basic and polar, at codon 797 of the TNNI3K protein (p.Glu797Lys).